The following is an entry in ClinVar:

NM_024312.5(GNPTAB):c.3587A>G (p.His1196Arg)

Gene: GNPTAB (N-acetylglucosamine-1-phosphate transferase subunits alpha and beta; minus strand). Cytogenetic location: 12q23.2.
Variant type: single nucleotide variant.
Coding change: c.3587A>G on transcript NM_024312.5 (MANE Select); coding-DNA position 3587, A replaced by G.
Protein change: p.His1196Arg; replaces histidine 1196 with arginine.
Molecular consequence: missense variant.
Genome position (GRCh38, 1-based): chr12:101,753,387, T>C on the plus strand (A>G on the coding strand, the complement: GNPTAB is on the minus strand). VCF-style: chr12-101753387-T-C. GRCh37 (hg19) VCF-style: chr12-102147165-T-C.
Other names: short protein forms H1196R.
Identifiers: ClinVar variation 1391093 (VCV001391093.3), dbSNP rs1566067234, ClinGen allele CA386292144.

ClinVar aggregate classification (germline): Uncertain significance (1 of 4 stars; one submission).

Conditions:
Pseudo-Hurler polydystrophy. Also called: ML III; ML III ALPHA/BETA; MUCOLIPIDOSIS IIIA; Type III Mucolipidosis; ML IIIA; Mucolipidosis III Alpha/Beta. Identifiers: Orphanet 423461, Orphanet 577, MedGen C0033788, MONDO:0018931, OMIM 252600.
Mucolipidosis type II. Also called: ML II ALPHA/BETA; Mucolipidosis 2; ML 2; Inclusion cell disease; Leroy Disease; N-acetylglucosamine 1phosphotransferase deficiency. Identifiers: Orphanet 576, MedGen C2673377, MONDO:0009650, OMIM 252500.

Allele frequency attached by ClinVar (database versions not stated): gnomAD exomes 0.00001.
gnomAD v4.1: 9 of 1,613,800 alleles (0.00056%); highest among the groups gnomAD compares: Middle Eastern, 0.05%; no homozygotes.

Submission:

Labcorp Genetics (formerly Invitae), Labcorp
Classification: Uncertain significance for Pseudo-Hurler polydystrophy; Mucolipidosis type II. Last evaluated: 2021-10-13. Review status: criteria provided, single submitter. Criteria: Invitae Variant Classification Sherloc (09022015). Collection method: clinical testing. Allele origin: germline.
Comment: This sequence change replaces histidine with arginine at codon 1196 of the GNPTAB protein (p.His1196Arg). The histidine residue is highly conserved and there is a small physicochemical difference between histidine and arginine. This variant is not present in population databases (ExAC no frequency). This variant has not been reported in the literature in individuals affected with GNPTAB-related conditions. Advanced modeling of protein sequence and biophysical properties (such as structural, functional, and spatial information, amino acid conservation, physicochemical variation, residue mobility, and thermodynamic stability) performed at Invitae indicates that this missense variant is not expected to disrupt GNPTAB protein function. Algorithms developed to predict the effect of sequence changes on RNA splicing suggest that this variant may create or strengthen a splice site. In summary, the available evidence is currently insufficient to determine the role of this variant in disease. Therefore, it has been classified as a Variant of Uncertain Significance.